The following is an entry in ClinVar:

ClinVar aggregate classification (germline): Uncertain significance (1 of 4 stars; one submission).

Conditions:
Fanconi anemia (FA). Also called: Fanconi's anemia. Identifiers: Orphanet 84, MedGen C0015625, MeSH D005199, MONDO:0019391.

Submission:

Labcorp Genetics (formerly Invitae), Labcorp
Classification: Uncertain significance for Fanconi anemia. Last evaluated: 2021-03-26. Review status: criteria provided, single submitter. Criteria: Invitae Variant Classification Sherloc (09022015). Collection method: clinical testing. Allele origin: germline.
Comment: This variant is not present in population databases (ExAC no frequency). This sequence change replaces glutamic acid with alanine at codon 1045 of the FANCA protein (p.Glu1045Ala). The glutamic acid residue is weakly conserved and there is a moderate physicochemical difference between glutamic acid and alanine. This variant has not been reported in the literature in individuals with FANCA-related conditions. In summary, the available evidence is currently insufficient to determine the role of this variant in disease. Therefore, it has been classified as a Variant of Uncertain Significance. Advanced modeling of protein sequence and biophysical properties (such as structural, functional, and spatial information, amino acid conservation, physicochemical variation, residue mobility, and thermodynamic stability) performed at Invitae indicates that this missense variant is not expected to disrupt FANCA protein function.

NM_000135.4(FANCA):c.3134A>C (p.Glu1045Ala)

Gene: FANCA (FA complementation group A; minus strand). Cytogenetic location: 16q24.3.
Variant type: single nucleotide variant.
Coding change: c.3134A>C on transcript NM_000135.4 (MANE Select); coding-DNA position 3134, A replaced by C.
Protein change: p.Glu1045Ala; replaces glutamic acid 1045 with alanine.
Molecular consequence: missense variant.
Genome position (GRCh38, 1-based): chr16:89,749,835, T>G on the plus strand (A>C on the coding strand, the complement: FANCA is on the minus strand). VCF-style: chr16-89749835-T-G. GRCh37 (hg19) VCF-style: chr16-89816243-T-G.
Other names: c.3134A>C, p.Glu1045Ala (NM_001286167.3); short protein forms E1045A.
Identifiers: ClinVar variation 1520171 (VCV001520171.8), dbSNP rs2143139368, ClinGen allele CA397486629.
Genomic context (GRCh38, chr16:89,749,835, plus strand): 5'-ACGCTCCACCCGCTTGTCAGAGCCTGGAGCCGTCTGCGGAAAATCTCAAAGAGGAAGTGC[T>G]CCTGGGAAGGGGTGTGGCCGAGAGGCACTATGAGGTCTTGCTGCAGCTCCAGGTCAGCTA-3'
Protein context (NP_000126.2, residues 1035-1055): IVPLGHTPSQ[Glu1045Ala]HFLFEIFRRR